The following is an entry in ClinVar:

ClinVar aggregate classification (germline): Pathogenic (1 of 4 stars; one submission).

Submission:

GeneDx
Classification: Pathogenic. Last evaluated: 2018-06-26. Review status: criteria provided, single submitter. Criteria: GeneDx Variant Classification (06012015). Collection method: clinical testing. Allele origin: germline. Affected: yes.
Comment: The L68F variant in the HPRT1 gene has not been reported previously as a pathogenic variant nor as a benign variant, to our knowledge. The L68F variant was not observed in approximately 6500 individuals of European and African American ancestry in the NHLBI Exome Sequencing Project, indicating it is not a common benign variant in these populations. The L68F variant is a conservative amino acid substitution, which is not likely to impact secondary protein structure as these residues share similar properties. This substitution occurs at a position, within the PPi loop, that is conserved across species. In silico analysis predicts this variant is probably damaging to the protein structure/function. We interpret L68F as a pathogenic variant.

NM_000194.3(HPRT1):c.202C>T (p.Leu68Phe)

Gene: HPRT1 (hypoxanthine phosphoribosyltransferase 1; plus strand). Cytogenetic location: Xq26.2.
Variant type: single nucleotide variant.
Coding change: c.202C>T on transcript NM_000194.3 (MANE Select); coding-DNA position 202, C replaced by T.
Protein change: p.Leu68Phe; replaces leucine 68 with phenylalanine.
Molecular consequence: missense variant.
Genome position (GRCh38, 1-based): chrX:134,475,248, C>T. VCF-style: chrX-134475248-C-T. GRCh37 (hg19) VCF-style: chrX-133609278-C-T.
Other names: short protein forms L68F.
Identifiers: ClinVar variation 280785 (VCV000280785.2), dbSNP rs886041930, ClinGen allele CA10603704.
Genomic context (GRCh38, chrX:134,475,248, plus strand): 5'-CGTCTTGCTCGAGATGTGATGAAGGAGATGGGAGGCCATCACATTGTAGCCCTCTGTGTG[C>T]TCAAGGGGGGCTATAAATTCTTTGCTGACCTGCTGGATTACATCAAAGCACTGAATAGAA-3'
Protein context (NP_000185.1, residues 58-78): GGHHIVALCV[Leu68Phe]KGGYKFFADL